The following is an entry in ClinVar:

NM_014391.3(ANKRD1):c.651+4T>A

Gene: ANKRD1 (ankyrin repeat domain 1; minus strand). Cytogenetic location: 10q23.31.
Variant type: single nucleotide variant.
Coding change: c.651+4T>A on transcript NM_014391.3 (MANE Select); 4 bases into the intron after coding-DNA position 651, T replaced by A.
Molecular consequence: intron variant.
Genome position (GRCh38, 1-based): chr10:90,916,167, A>T on the plus strand (T>A on the coding strand, the complement: ANKRD1 is on the minus strand). VCF-style: chr10-90916167-A-T. GRCh37 (hg19) VCF-style: chr10-92675924-A-T.
Identifiers: ClinVar variation 264598 (VCV000264598.8), dbSNP rs765256800, ClinGen allele CA5598677.

ClinVar aggregate classification (germline): Uncertain significance. Review status: criteria provided, multiple submitters, no conflicts (2 of 4 stars). 2 submissions from 2 submitters: Uncertain significance (2). Last evaluated 2024-09-20.

Conditions:
Cardiovascular phenotype. Identifiers: MedGen CN230736.

Allele frequency attached by ClinVar (database versions not stated): gnomAD below 0.00001 and 0.00001; gnomAD exomes 0.00002; ExAC 0.00003.

Submissions (2):

Ambry Genetics
Classification: Uncertain significance for Cardiovascular phenotype. Last evaluated: 2024-09-20. Review status: criteria provided, single submitter. Criteria: Ambry Variant Classification Scheme 2023. Collection method: clinical testing. Allele origin: germline.
Comment: The c.651+4T>A intronic variant results from a T to A substitution 4 nucleotides after coding exon 6 in the ANKRD1 gene. This nucleotide position is not well conserved in available vertebrate species. In silico splice site analysis predicts that this alteration will not have any significant effect on splicing. The evidence for this gene-disease relationship is limited; therefore, the clinical significance of this alteration is unclear.

Stanford Center for Inherited Cardiovascular Disease, Stanford University
Classification: Uncertain significance. Last evaluated: 2016-03-23. Review status: criteria provided, single submitter. Criteria: ACMG Guidelines, 2015. Collection method: provider interpretation. Allele origin: germline.